The following is an entry in ClinVar:

NM_144997.7(FLCN):c.241_242del (p.Met81fs)

Gene: FLCN (folliculin; minus strand). Cytogenetic location: 17p11.2.
Variant type: Deletion.
Coding change: c.241_242del on transcript NM_144997.7 (MANE Select); coding-DNA positions 241 to 242, 2 bases deleted (AT; older notation c.241_242delAT).
Protein change: p.Met81fs; shifts the reading frame from methionine 81.
Molecular consequence: frameshift variant.
Genome position (GRCh38, 1-based): chr17:17,227,896-17,227,897, AT deleted on the plus strand (AT on the coding strand, the reverse complement: FLCN is on the minus strand). VCF-style (leftmost placement, unchanged base first): chr17-17227895-CAT-C. GRCh37 (hg19) VCF-style: chr17-17131209-CAT-C.
Other names: c.241_242del (LRG_325t1); c.241_242del, p.Met81fs (NM_001353229.2, NM_001353230.2, NM_001353231.2 and 1 more transcripts); short protein forms M81fs.
Identifiers: ClinVar variation 373020 (VCV000373020.3), dbSNP rs1057518147, ClinGen allele CA16043012.

ClinVar aggregate classification (germline): Pathogenic. Review status: criteria provided, multiple submitters, no conflicts (2 of 4 stars). 2 submissions from 2 submitters: Pathogenic (2). Last evaluated 2016-10-17.

Submissions (2):

GeneDx
Classification: Pathogenic. Last evaluated: 2016-10-17. Review status: criteria provided, single submitter. Criteria: GeneDx Variant Classification (06012015). Collection method: clinical testing. Allele origin: germline. Affected: yes.
Comment: The c.241_242delAT variant in the FLCN gene has been reported previously in at least one individual with a facial angiofibroma (Spring et al., 2013). This deletion causes a frameshift starting with codon Methionine 81, changes this amino acid to a Valine residue and creates a premature Stop codon at position 18 of the new reading frame, denoted p.Met81ValfsX18. This variant is predicted to cause loss of normal protein function either through protein truncation or nonsense-mediated mRNA decay. Based on currently available evidence, we consider c.241_242delAT to be pathogenic.

Clinical Genetics and Genomics, Karolinska University Hospital
Classification: Pathogenic. Last evaluated: 2015-03-30. Review status: criteria provided, single submitter. Criteria: ACMG Guidelines, 2015. Collection method: clinical testing. Allele origin: germline. Affected: yes. Observed: 8 variant alleles.